The following is an entry in ClinVar:

NM_000091.5(COL4A3):c.2882-2A>G

Genes: COL4A3 (collagen type IV alpha 3 chain; plus strand), MFF-DT (MFF divergent transcript; minus strand). Cytogenetic location: 2q36.3.
Variant type: single nucleotide variant.
Coding change: c.2882-2A>G on transcript NM_000091.5 (MANE Select); the canonical splice acceptor site of the intron before coding-DNA position 2882, A replaced by G.
Molecular consequence: splice acceptor variant.
Genome position (GRCh38, 1-based): chr2:227,289,148, A>G. VCF-style: chr2-227289148-A-G. GRCh37 (hg19) VCF-style: chr2-228153864-A-G.
Other names: c.2882-2A>G (NM_000091.4).
Identifiers: ClinVar variation 1067150 (VCV001067150.8), dbSNP rs2072527010, ClinGen allele CA350853843.

ClinVar aggregate classification (germline): Likely pathogenic. Review status: criteria provided, multiple submitters, no conflicts (2 of 4 stars). 2 submissions from 2 submitters: Likely pathogenic (2). Last evaluated 2024-11-01.

Conditions:
Alport syndrome. Also called: Hemorrhagic familial nephritis; Hemorrhagic hereditary nephritis; Congenital hereditary hematuria. Identifiers: Orphanet 63, MedGen C1567741, MONDO:0018965.

Submissions (2):

Natera, Inc.
Classification: Likely pathogenic for Alport syndrome. Last evaluated: 2024-11-01. Review status: criteria provided, single submitter. Criteria: Natera Variant Classification Schema (03/2026). Collection method: clinical testing. Allele origin: germline.
Comment: The c.2882-2A>G variant in COL4A3 is a canonical splice acceptor site variant predicted to affect pre-mRNA splicing, which may result in an abnormal transcript and altered protein product. This variant is expected to result in nonsense mediated decay, truncation, or a dysfunctional protein product. This variant is rare in the general population with a frequency below the threshold expected for the associated phenotype(s). Given the available evidence, this variant is classified as Likely Pathogenic.

Labcorp Genetics (formerly Invitae), Labcorp
Classification: Likely pathogenic. Last evaluated: 2021-12-07. Review status: criteria provided, single submitter. Criteria: Invitae Variant Classification Sherloc (09022015). Collection method: clinical testing. Allele origin: germline.
Comment: In summary, the currently available evidence indicates that the variant is pathogenic, but additional data are needed to prove that conclusively. Therefore, this variant has been classified as Likely Pathogenic. Algorithms developed to predict the effect of sequence changes on RNA splicing suggest that this variant may disrupt the consensus splice site. ClinVar contains an entry for this variant (Variation ID: 1067150). This variant has not been reported in the literature in individuals affected with COL4A3-related conditions. This variant is not present in population databases (gnomAD no frequency). This sequence change affects an acceptor splice site in intron 34 of the COL4A3 gene. It is expected to disrupt RNA splicing. Variants that disrupt the donor or acceptor splice site typically lead to a loss of protein function (PMID: 16199547), and loss-of-function variants in COL4A3 are known to be pathogenic (PMID: 8956999, 24854265, 26809805, 27281700).

Literature cited by the submitters: PubMed 16199547 (cited by Labcorp Genetics (formerly Invitae), Labcorp); PubMed 8956999 (cited by Labcorp Genetics (formerly Invitae), Labcorp); PubMed 24854265 (cited by Labcorp Genetics (formerly Invitae), Labcorp); PubMed 26809805 (cited by Labcorp Genetics (formerly Invitae), Labcorp); PubMed 27281700 (cited by Labcorp Genetics (formerly Invitae), Labcorp).